The following is an entry in ClinVar:

ClinVar aggregate classification (germline): Uncertain significance (1 of 4 stars; one submission).

Conditions:
DICER1-related tumor predisposition. Also called: DICER1-related pleuropulmonary blastoma cancer predisposition syndrome; DICER1 syndrome. Identifiers: Orphanet 284343, MedGen C3839822, MONDO:0100216.

gnomAD v4.1: 1 of 1,613,166 alleles (0.000062%); highest among the groups gnomAD compares: Non-Finnish European, 0.000085%; no homozygotes.

Submission:

Labcorp Genetics (formerly Invitae), Labcorp
Classification: Uncertain significance for DICER1-related tumor predisposition. Last evaluated: 2024-07-17. Review status: criteria provided, single submitter. Criteria: Invitae Variant Classification Sherloc (09022015). Collection method: clinical testing. Allele origin: germline.
Comment: This sequence change falls in intron 8 of the DICER1 gene. It does not directly change the encoded amino acid sequence of the DICER1 protein. This variant is not present in population databases (gnomAD no frequency). This variant has not been reported in the literature in individuals affected with DICER1-related conditions. Algorithms developed to predict the effect of sequence changes on RNA splicing suggest that this variant may disrupt the consensus splice site. In summary, the available evidence is currently insufficient to determine the role of this variant in disease. Therefore, it has been classified as a Variant of Uncertain Significance.

NM_177438.3(DICER1):c.1377-16T>G

Gene: DICER1 (dicer 1, ribonuclease III; minus strand). Cytogenetic location: 14q32.13.
Variant type: single nucleotide variant.
Coding change: c.1377-16T>G on transcript NM_177438.3 (MANE Select); 16 bases into the intron before coding-DNA position 1377, T replaced by G.
Molecular consequence: intron variant.
Genome position (GRCh38, 1-based): chr14:95,117,770, A>C on the plus strand (T>G on the coding strand, the complement: DICER1 is on the minus strand). VCF-style: chr14-95117770-A-C. GRCh37 (hg19) VCF-style: chr14-95584107-A-C.
Other names: c.1377-16T>G (NM_001291628.2, NM_030621.4, NM_001395677.1 and 12 more transcripts); c.972-16T>G (NM_001395690.1, NM_001395687.1, NM_001395689.1 and 3 more transcripts); c.1095-16T>G (NM_001395686.1); c.810-16T>G (NM_001395691.1); c.-192-16T>G (NM_001395697.1).
Identifiers: ClinVar variation 3659775 (VCV003659775.2).